The following is an entry in ClinVar:

NM_000179.3(MSH6):c.2360C>A (p.Ala787Asp)

Gene: MSH6 (mutS homolog 6; plus strand). Cytogenetic location: 2p16.3.
Variant type: single nucleotide variant.
Coding change: c.2360C>A on transcript NM_000179.3 (MANE Select); coding-DNA position 2360, C replaced by A.
Protein change: p.Ala787Asp; replaces alanine 787 with aspartic acid.
Molecular consequence: missense variant. On other transcripts: non-coding transcript variant (5), intron variant (3).
Genome position (GRCh38, 1-based): chr2:47,800,343, C>A. VCF-style: chr2-47800343-C-A. GRCh37 (hg19) VCF-style: chr2-48027482-C-A.
Other names: c.2063C>A, p.Ala688Asp (NM_001406797.1, NM_001406801.1, NM_001406805.1 and 10 more transcripts); c.2360C>A, p.Ala787Asp (NM_001406798.1, NM_001406800.1, NM_001406796.1 and 2 more transcripts); c.1835C>A, p.Ala612Asp (NM_001406799.1, NM_001406806.1, NM_001406807.1); c.2456C>A, p.Ala819Asp (NM_001406802.1, NM_001406795.1); c.2282C>A, p.Ala761Asp (NM_001406804.1); c.1970C>A, p.Ala657Asp (NM_001281492.2); c.1454C>A, p.Ala485Asp (NM_001281493.2, NM_001281494.2, NM_001406823.1 and 6 more transcripts); c.2192C>A, p.Ala731Asp (NM_001406826.1); and 4 more; short protein forms A485D, A612D, A657D, A688D, A731D, A761D, A787D, A789D.
Identifiers: ClinVar variation 4860387 (VCV004860387.1).

ClinVar aggregate classification (germline): Uncertain significance (1 of 4 stars; one submission).

Conditions:
Hereditary cancer-predisposing syndrome. Also called: Neoplastic Syndromes, Hereditary; Tumor predisposition; Hereditary Cancer Syndrome; Hereditary neoplastic syndrome. Identifiers: Orphanet 140162, MedGen C0027672, MeSH D009386, MONDO:0015356.

Submission:

Ambry Genetics
Classification: Uncertain significance for Hereditary cancer-predisposing syndrome. Last evaluated: 2026-03-30. Review status: criteria provided, single submitter. Criteria: Ambry Variant Classification Scheme 2023. Collection method: clinical testing. Allele origin: germline.
Comment: The p.A787D variant (also known as c.2360C>A), located in coding exon 4 of the MSH6 gene, results from a C to A substitution at nucleotide position 2360. The alanine at codon 787 is replaced by aspartic acid, an amino acid with dissimilar properties. This amino acid position is conserved. In addition, the in silico prediction for this alteration is inconclusive. Based on the available evidence, the clinical significance of this variant remains unclear.